The following is an entry in ClinVar:

NM_138694.4(PKHD1):c.4660del (p.Tyr1554fs)

Genes: PKHD1 (PKHD1 ciliary IPT domain containing fibrocystin/polyductin; minus strand), LOC126859690 (MED14-independent group 3 enhancer GRCh37_chr6:51888848-51890047; plus strand). Cytogenetic location: 6p12.2.
Variant type: Deletion.
Coding change: c.4660del on transcript NM_138694.4 (MANE Select); coding-DNA position 4660, one base deleted (T; older notation c.4660delT).
Protein change: p.Tyr1554fs; shifts the reading frame from tyrosine 1554.
Molecular consequence: frameshift variant.
Genome position (GRCh38, 1-based): chr6:52,025,150, A deleted on the plus strand (T on the coding strand, the reverse complement: PKHD1 is on the minus strand); the first of 6 consecutive A bases (chr6:52,025,150-52,025,155); deleting any one gives the same sequence. VCF-style (leftmost placement, unchanged base first): chr6-52025149-TA-T. GRCh37 (hg19) VCF-style: chr6-51889947-TA-T.
Other names: c.4660del, p.Tyr1554fs (NM_170724.3); short protein forms Y1554fs.
Identifiers: ClinVar variation 5015568 (VCV005015568.1).

ClinVar aggregate classification (germline): Pathogenic (1 of 4 stars; one submission).

Conditions:
Polycystic kidney disease 4 (PKD4). Also called: PKD3; Autosomal Recessive Polycystic Kidney Disease – PKHD1; POLYCYSTIC KIDNEY AND HEPATIC DISEASE 1; POLYCYSTIC KIDNEY DISEASE, INFANTILE, TYPE I; POLYCYSTIC KIDNEY DISEASE 4 WITH OR WITHOUT POLYCYSTIC LIVER DISEASE. Identifiers: MedGen C4540575, MONDO:0033004, OMIM 263200.

Submission:

Myriad Genetics, Inc.
Classification: Pathogenic for Polycystic kidney disease 4. Last evaluated: 2026-02-17. Review status: criteria provided, single submitter. Criteria: Myriad Autosomal Dominant, Autosomal Recessive and X-Linked Classification Criteria (2023). Collection method: clinical testing. Allele origin: unknown.
Comment: NM_138694.3(PKHD1):c.4660delT(Y1554Ifs*38) is expected to be pathogenic in the context of autosomal recessive polycystic kidney disease, PKHD1-related. This variant is predicted to lead to an abnormal or absent protein product due to the creation of a premature termination codon in PKHD1, a gene where loss-of-function variants are known to be pathogenic. Please note: this variant was assessed in the context of healthy population screening.